The following is an entry in ClinVar:

NM_000321.3(RB1):c.373G>T (p.Glu125Ter)

Gene: RB1 (RB transcriptional corepressor 1; plus strand). Cytogenetic location: 13q14.2.
Variant type: single nucleotide variant.
Coding change: c.373G>T on transcript NM_000321.3 (MANE Select); coding-DNA position 373, G replaced by T.
Protein change: p.Glu125Ter; replaces glutamic acid 125 with a stop codon.
Molecular consequence: nonsense.
Genome position (GRCh38, 1-based): chr13:48,342,707, G>T. VCF-style: chr13-48342707-G-T. GRCh37 (hg19) VCF-style: chr13-48916843-G-T.
Other names: short protein forms E125*.
Identifiers: ClinVar variation 1334098 (VCV001334098.5), dbSNP rs1952457111, ClinGen allele CA388252559.
Genomic context (GRCh38, chr13:48,342,707, plus strand): 5'-ATTGCAGCAGTTGACCTAGATGAGATGTCGTTCACTTTTACTGAGCTACAGAAAAACATA[G>T]AAATCAGGTAAAGTTTCTTGTATAAATATAAGCCTCTGCCATAAAAGGAAACGAATTCTG-3'

ClinVar aggregate classification (germline): Pathogenic/Likely pathogenic. Review status: criteria provided, multiple submitters, no conflicts (2 of 4 stars). 4 submissions from 4 submitters: Pathogenic (3); Likely pathogenic (1). Last evaluated 2026-05-29.

Conditions:
Retinoblastoma (RB1). Also called: RETINOBLASTOMA, SOMATIC. Identifiers: Orphanet 790, MedGen C0035335, MeSH D012175, MONDO:0008380, OMIM 180200, HP:0009919. Disease mechanism: loss of function. Inheritance: Both sporadic and heritable forms are tested..
Hereditary cancer-predisposing syndrome. Also called: Tumor predisposition; Hereditary Cancer Syndrome; Hereditary neoplastic syndrome; Neoplastic Syndromes, Hereditary. Identifiers: Orphanet 140162, MedGen C0027672, MeSH D009386, MONDO:0015356.

Submissions (4):

Diller/Parad Lab, Dana-Farber/Harvard Cancer Center
Classification: Pathogenic for Retinoblastoma. Last evaluated: 2026-05-29. Review status: criteria provided, single submitter. Criteria: ACMG Guidelines, 2015. Collection method: research. Allele origin: germline. Affected: yes.
Comment: It has been classified as Pathogenic using Richards et al (PMID:25741868) based on the following evidence codes: PM2, PVS1, PP3.

Genetic Diagnostic Laboratory, University of Pennsylvania School of Medicine
Classification: Pathogenic for Retinoblastoma. Last evaluated: 2024-05-20. Review status: criteria provided, single submitter. Criteria: ACMG Guidelines, 2015. Collection method: clinical testing. Allele origin: germline. Affected: yes. Observed: 1 variant allele.
Comment: Case and Pedigree Information: BILATERAL CASES:1, UNILATERAL CASES:0, TOTAL CASES:1, PEDIGREES:1. ACMG Codes Applied:PVS1, PM2

CENTOGENE GmbH and LLC - Guiding Precision Medicine
Classification: Likely pathogenic for Retinoblastoma. Last evaluated: 2021-02-12. Review status: criteria provided, single submitter. Criteria: ACMG Guidelines, 2015. Collection method: clinical testing. Allele origin: somatic. Affected: no.

Ambry Genetics
Classification: Pathogenic for Hereditary cancer-predisposing syndrome. Last evaluated: 2017-05-31. Review status: criteria provided, single submitter. Criteria: Ambry Variant Classification Scheme 2023. Collection method: clinical testing. Allele origin: germline.
Comment: The p.E125* pathogenic mutation (also known as c.373G>T), located in coding exon 3 of the RB1 gene, results from a G to T substitution at nucleotide position 373. This changes the amino acid from a glutamic acid to a stop codon within coding exon 3. In addition to the clinical data presented in the literature, this alteration is expected to result in loss of function by premature protein truncation or nonsense-mediated mRNA decay. As such, this alteration is interpreted as a disease-causing mutation.

Literature cited by the submitters: PubMed 25424699 (cited by Ambry Genetics).